The following is an entry in ClinVar:

NM_001371623.1(TCOF1):c.3170G>A (p.Gly1057Glu)

Gene: TCOF1 (treacle ribosome biogenesis factor 1; plus strand). Cytogenetic location: 5q32.
Variant type: single nucleotide variant.
Coding change: c.3170G>A on transcript NM_001371623.1 (MANE Select); coding-DNA position 3170, G replaced by A.
Protein change: p.Gly1057Glu; replaces glycine 1057 with glutamic acid.
Molecular consequence: missense variant.
Genome position (GRCh38, 1-based): chr5:150,390,010, G>A. VCF-style: chr5-150390010-G-A. GRCh37 (hg19) VCF-style: chr5-149769573-G-A.
Other names: c.2939G>A, p.Gly980Glu (NM_000356.4, NM_001135245.2); c.3170G>A, p.Gly1057Glu (NM_001135243.2, NM_001135244.2, NM_001195141.2); short protein forms G1057E, G980E.
Identifiers: ClinVar variation 2499309 (VCV002499309.1), dbSNP rs781752461, ClinGen allele CA3511423.

ClinVar aggregate classification (germline): Uncertain significance (1 of 4 stars; one submission).

Allele frequency attached by ClinVar (database versions not stated): TOPMed below 0.00001.
gnomAD v4.1: 2 of 1,609,302 alleles (0.00012%); highest among the groups gnomAD compares: Non-Finnish European, 0.00017%; no homozygotes.

Submission:

GeneDx
Classification: Uncertain significance. Last evaluated: 2022-10-14. Review status: criteria provided, single submitter. Criteria: GeneDx Variant Classification Process June 2021. Collection method: clinical testing. Allele origin: germline. Affected: yes.
Comment: Not observed at significant frequency in large population cohorts (gnomAD); In silico analysis supports that this missense variant does not alter protein structure/function; Has not been previously published as pathogenic or benign to our knowledge